The following is an entry in ClinVar:

NM_002295.6(RPSA):c.557G>T (p.Arg186Leu)

Gene: RPSA (ribosomal protein SA; plus strand). Cytogenetic location: 3p22.1.
Variant type: single nucleotide variant.
Coding change: c.557G>T on transcript NM_002295.6 (MANE Select); coding-DNA position 557, G replaced by T.
Protein change: p.Arg186Leu; replaces arginine 186 with leucine.
Molecular consequence: missense variant.
Genome position (GRCh38, 1-based): chr3:39,411,707, G>T. VCF-style: chr3-39411707-G-T. GRCh37 (hg19) VCF-style: chr3-39453198-G-T.
Other names: c.572G>T, p.Arg191Leu (NM_001304288.2); short protein forms R186L, R191L.
Identifiers: ClinVar variation 3371306 (VCV003371306.1).

ClinVar aggregate classification (germline): Uncertain significance (1 of 4 stars; one submission).

Submission:

GeneDx
Classification: Uncertain significance. Last evaluated: 2024-03-26. Review status: criteria provided, single submitter. Criteria: GeneDx Variant Classification Process June 2021. Collection method: clinical testing. Allele origin: germline. Affected: yes.
Comment: In silico analysis supports that this missense variant has a deleterious effect on protein structure/function; Not observed at significant frequency in large population cohorts (gnomAD); Has not been previously published as pathogenic or benign to our knowledge